The following is an entry in ClinVar:

ClinVar aggregate classification (germline): Pathogenic (1 of 4 stars; one submission).

Conditions:
Neuronal ceroid lipofuscinosis 7 (CLN7). Also called: MFSD8-Related Neuronal Ceroid-Lipofuscinosis. Identifiers: Orphanet 168491, Orphanet 228366, MedGen C1838571, MONDO:0012588, OMIM 610951.

Submission:

Labcorp Genetics (formerly Invitae), Labcorp
Classification: Pathogenic for Neuronal ceroid lipofuscinosis 7. Last evaluated: 2019-09-20. Review status: criteria provided, single submitter. Criteria: Invitae Variant Classification Sherloc (09022015). Collection method: clinical testing. Allele origin: germline.
Comment: For these reasons, this variant has been classified as Pathogenic. Loss-of-function variants in MFSD8 are known to be pathogenic (PMID: 19177532, 25227500, 28586915). This variant has not been reported in the literature in individuals with MFSD8-related conditions. This variant is an out-of-frame deletion of the genomic region encompassing exons 9-10 of the MFSD8 gene. This is expected to create a premature translational stop signal and result in an absent or disrupted protein product.

Literature cited by the submitters: PubMed 19177532; PubMed 25227500; PubMed 28586915.

NC_000004.12:g.(?_127930663)_(127933113_?)del

Gene: MFSD8 (major facilitator superfamily domain containing 8; minus strand). Cytogenetic location: 4q28.2.
Variant type: Deletion.
Identifiers: ClinVar variation 830961 (VCV000830961.3).